The following is an entry in ClinVar:

ClinVar aggregate classification (germline): Pathogenic (1 of 4 stars; one submission).

Conditions:
Cardiovascular phenotype. Identifiers: MedGen CN230736.

Submission:

Molecular Diagnostic Laboratory for Inherited Cardiovascular Disease, Montreal Heart Institute
Classification: Pathogenic for Cardiovascular phenotype. Last evaluated: 2026-05-22. Review status: criteria provided, single submitter. Criteria: ACMG Guidelines, 2015. Collection method: clinical testing. Allele origin: germline. Affected: yes.
Comment: PVS1, PS4_mod, PM1, PM2

NM_004006.2:c.(7200+1_7201-1)_(7660+1_7661-1)del

Gene: DMD (dystrophin; minus strand).
Variant type: Deletion.
Identifiers: ClinVar variation 5037849 (VCV005037849.1).